The following is an entry in ClinVar:

ClinVar aggregate classification (germline): Uncertain significance (1 of 4 stars; one submission).

Conditions:
Hereditary cancer-predisposing syndrome. Also called: Neoplastic Syndromes, Hereditary; Tumor predisposition; Hereditary neoplastic syndrome; Hereditary Cancer Syndrome. Identifiers: Orphanet 140162, MedGen C0027672, MeSH D009386, MONDO:0015356.

Submission:

Ambry Genetics
Classification: Uncertain significance for Hereditary cancer-predisposing syndrome. Last evaluated: 2026-07-07. Review status: criteria provided, single submitter. Criteria: Ambry Variant Classification Scheme 2023. Collection method: clinical testing. Allele origin: germline.
Comment: The p.A21V variant (also known as c.62C>T), located in coding exon 1 of the AXIN2 gene, results from a C to T substitution at nucleotide position 62. The alanine at codon 21 is replaced by valine, an amino acid with similar properties. This amino acid position is conserved. In addition, the in silico prediction for this alteration is inconclusive. Based on the available evidence, the clinical significance of this variant remains unclear.

NM_004655.4(AXIN2):c.62C>T (p.Ala21Val)

Gene: AXIN2 (axin 2; minus strand). Cytogenetic location: 17q24.1.
Variant type: single nucleotide variant.
Coding change: c.62C>T on transcript NM_004655.4 (MANE Select); coding-DNA position 62, C replaced by T.
Protein change: p.Ala21Val; replaces alanine 21 with valine.
Molecular consequence: missense variant.
Genome position (GRCh38, 1-based): chr17:65,558,559, G>A on the plus strand (C>T on the coding strand, the complement: AXIN2 is on the minus strand). VCF-style: chr17-65558559-G-A. GRCh37 (hg19) VCF-style: chr17-63554677-G-A.
Other names: c.62C>T, p.Ala21Val (NM_001363813.1); short protein forms A21V.
Identifiers: ClinVar variation 5032655 (VCV005032655.1).